The following is an entry in ClinVar:

NM_198506.5(LRIT3):c.1944G>T (p.Arg648Ser)

Gene: LRIT3 (leucine rich repeat, Ig-like and transmembrane domains 3; plus strand). Cytogenetic location: 4q25.
Variant type: single nucleotide variant.
Coding change: c.1944G>T on transcript NM_198506.5 (MANE Select); coding-DNA position 1944, G replaced by T.
Protein change: p.Arg648Ser; replaces arginine 648 with serine.
Molecular consequence: missense variant.
Genome position (GRCh38, 1-based): chr4:109,870,693, G>T. VCF-style: chr4-109870693-G-T. GRCh37 (hg19) VCF-style: chr4-110791849-G-T.
Other names: short protein forms R648S.
Identifiers: ClinVar variation 842330 (VCV000842330.5), dbSNP rs763277882, ClinGen allele CA3043292.

ClinVar aggregate classification (germline): Uncertain significance (1 of 4 stars; one submission).

Allele frequency attached by ClinVar (database versions not stated): gnomAD 0.00003; TOPMed 0.00015; ExAC 0.00023; gnomAD exomes 0.00023.
gnomAD v4.1: 69 of 1,613,992 alleles (0.0043%); highest among the groups gnomAD compares: Admixed American, 0.11%; 1 homozygote.

Submission:

Labcorp Genetics (formerly Invitae), Labcorp
Classification: Uncertain significance. Last evaluated: 2025-04-28. Review status: criteria provided, single submitter. Criteria: Invitae Variant Classification Sherloc (09022015). Collection method: clinical testing. Allele origin: germline.
Comment: This sequence change replaces arginine, which is basic and polar, with serine, which is neutral and polar, at codon 648 of the LRIT3 protein (p.Arg648Ser). This variant is present in population databases (rs763277882, gnomAD 0.2%). This variant has not been reported in the literature in individuals affected with LRIT3-related conditions. ClinVar contains an entry for this variant (Variation ID: 842330). An algorithm developed to predict the effect of missense changes on protein structure and function (PolyPhen-2) suggests that this variant is likely to be tolerated. In summary, the available evidence is currently insufficient to determine the role of this variant in disease. Therefore, it has been classified as a Variant of Uncertain Significance.